The following is an entry in ClinVar:

ClinVar aggregate classification (germline): Uncertain significance. Review status: criteria provided, multiple submitters, no conflicts (2 of 4 stars). 2 submissions from 2 submitters: Uncertain significance (2). Last evaluated 2024-04-22.

Allele frequency attached by ClinVar (database versions not stated): gnomAD exomes below 0.00001.
gnomAD v4.1: 3 of 1,614,178 alleles (0.00019%); highest among the groups gnomAD compares: Non-Finnish European, 0.00025%; no homozygotes.

Submissions (2):

Ambry Genetics
Classification: Uncertain significance. Last evaluated: 2024-04-22. Review status: criteria provided, single submitter. Criteria: Ambry Variant Classification Scheme 2023. Collection method: clinical testing. Allele origin: germline.
Comment: The p.A571P variant (also known as c.1711G>C), located in coding exon 12 of the RINT1 gene, results from a G to C substitution at nucleotide position 1711. The alanine at codon 571 is replaced by proline, an amino acid with highly similar properties. This amino acid position is conserved. In addition, this alteration is predicted to be tolerated by in silico analysis. Based on the available evidence, the clinical significance of this variant remains unclear.

Labcorp Genetics (formerly Invitae), Labcorp
Classification: Uncertain significance. Last evaluated: 2020-01-08. Review status: criteria provided, single submitter. Criteria: Invitae Variant Classification Sherloc (09022015). Collection method: clinical testing. Allele origin: germline.
Comment: This variant is not present in population databases (ExAC no frequency). This sequence change replaces alanine with proline at codon 571 of the RINT1 protein (p.Ala571Pro). The alanine residue is moderately conserved and there is a small physicochemical difference between alanine and proline. In summary, the available evidence is currently insufficient to determine the role of this variant in disease. Therefore, it has been classified as a Variant of Uncertain Significance. Algorithms developed to predict the effect of missense changes on protein structure and function are either unavailable or do not agree on the potential impact of this missense change (SIFT: "Deleterious"; PolyPhen-2: "Benign"; Align-GVGD: "Class C0"). This variant has not been reported in the literature in individuals with RINT1-related conditions.

NM_021930.6(RINT1):c.1711G>C (p.Ala571Pro)

Gene: RINT1 (RAD50 interactor 1; plus strand). Cytogenetic location: 7q22.3.
Variant type: single nucleotide variant.
Coding change: c.1711G>C on transcript NM_021930.6 (MANE Select); coding-DNA position 1711, G replaced by C.
Protein change: p.Ala571Pro; replaces alanine 571 with proline.
Molecular consequence: missense variant. On other transcripts: non-coding transcript variant (1).
Genome position (GRCh38, 1-based): chr7:105,563,772, G>C. VCF-style: chr7-105563772-G-C. GRCh37 (hg19) VCF-style: chr7-105204219-G-C.
Other names: c.1711G>C (NM_021930.4); c.1477G>C, p.Ala493Pro (NM_001346599.2); c.688G>C, p.Ala230Pro (NM_001346600.2, NM_001346603.2); c.787G>C, p.Ala263Pro (NM_001346601.2); short protein forms A493P, A571P, A230P, A263P.
Identifiers: ClinVar variation 1039446 (VCV001039446.9), dbSNP rs1791555375, ClinGen allele CA368813586.